The following is an entry in ClinVar:

ClinVar aggregate classification (germline): Uncertain significance (1 of 4 stars; one submission).

Conditions:
Hereditary cancer-predisposing syndrome. Also called: Neoplastic Syndromes, Hereditary; Hereditary Cancer Syndrome; Hereditary neoplastic syndrome; Tumor predisposition. Identifiers: Orphanet 140162, MedGen C0027672, MeSH D009386, MONDO:0015356.

Submission:

Ambry Genetics
Classification: Uncertain significance for Hereditary cancer-predisposing syndrome. Last evaluated: 2023-05-19. Review status: criteria provided, single submitter. Criteria: Ambry Variant Classification Scheme 2023. Collection method: clinical testing. Allele origin: germline.
Comment: The p.K1288T variant (also known as c.3863A>C), located in coding exon 9 of the MSH6 gene, results from an A to C substitution at nucleotide position 3863. The lysine at codon 1288 is replaced by threonine, an amino acid with similar properties. This amino acid position is conserved. In addition, this alteration is predicted to be deleterious by in silico analysis. Since supporting evidence is limited at this time, the clinical significance of this alteration remains unclear.

NM_000179.3(MSH6):c.3863A>C (p.Lys1288Thr)

Gene: MSH6 (mutS homolog 6; plus strand). Cytogenetic location: 2p16.3.
Variant type: single nucleotide variant.
Coding change: c.3863A>C on transcript NM_000179.3 (MANE Select); coding-DNA position 3863, A replaced by C.
Protein change: p.Lys1288Thr; replaces lysine 1288 with threonine.
Molecular consequence: missense variant. On other transcripts: non-coding transcript variant (5), intron variant (1).
Genome position (GRCh38, 1-based): chr2:47,806,513, A>C. VCF-style: chr2-47806513-A-C. GRCh37 (hg19) VCF-style: chr2-48033652-A-C.
Other names: c.3566A>C, p.Lys1189Thr (NM_001406797.1, NM_001406801.1, NM_001406805.1 and 10 more transcripts); c.3689A>C, p.Lys1230Thr (NM_001406798.1); c.3850A>C, p.Asn1284His (NM_001406800.1); c.2999A>C, p.Lys1000Thr (NM_001406803.1); c.3785A>C, p.Lys1262Thr (NM_001406804.1); c.3338A>C, p.Lys1113Thr (NM_001406799.1, NM_001406806.1, NM_001406807.1); c.3473A>C, p.Lys1158Thr (NM_001281492.2); c.2957A>C, p.Lys986Thr (NM_001281493.2, NM_001281494.2, NM_001406811.1 and 6 more transcripts); and 9 more; short protein forms K1230T, K1320T, K603T, K1113T, K1288T, K1000T, K1189T, K1262T.
Identifiers: ClinVar variation 2562455 (VCV002562455.2), dbSNP rs1572746849, ClinGen allele CA346761337.
Genomic context (GRCh38, chr2:47,806,513, plus strand): 5'-CATGCATGGTAGAAAATGAATGTGAAGACCCCAGCCAGGAGACTATTACGTTCCTCTATA[A>C]ATTCATTAAGGGAGCTTGTCCTAAAAGCTATGGCTTTAATGCAGCAAGGCTTGCTAATCT-3'
Protein context (NP_000170.1, residues 1278-1298): PSQETITFLY[Lys1288Thr]FIKGACPKSY